The following is an entry in ClinVar:

NM_000540.3(RYR1):c.13650G>A (p.Val4550=)

Gene: RYR1 (ryanodine receptor 1; plus strand). Cytogenetic location: 19q13.2.
Variant type: single nucleotide variant.
Coding change: c.13650G>A on transcript NM_000540.3 (MANE Select); coding-DNA position 13650, G replaced by A.
Protein change: p.Val4550=; no amino-acid change (valine 4550 retained).
Molecular consequence: synonymous variant.
Genome position (GRCh38, 1-based): chr19:38,567,908, G>A. VCF-style: chr19-38567908-G-A. GRCh37 (hg19) VCF-style: chr19-39058548-G-A.
Other names: c.13635G>A, p.Val4545= (NM_001042723.2).
Identifiers: ClinVar variation 4756853 (VCV004756853.1).

ClinVar aggregate classification (germline): Uncertain significance (1 of 4 stars; one submission).

Conditions:
Malignant hyperthermia, susceptibility to, 1 (MHS1). Also called: RYR1-Related Malignant Hyperthermia Susceptibility; Malignant hyperthermia suceptibility 1; Anesthesia related hyperthermia; Malignant hyperpyrexia; Fulminating hyperpyrexia; Pharmacogenic myopathy. Identifiers: Orphanet 423, MedGen C2930980, MONDO:0007783, OMIM 145600.

Submission:

Color Diagnostics, LLC DBA Color Health
Classification: Uncertain significance for Malignant hyperthermia, susceptibility to, 1. Last evaluated: 2025-06-23. Review status: criteria provided, single submitter. Criteria: ACMG Guidelines, 2015. Collection method: clinical testing. Allele origin: germline.
Comment: This variant is located in the RYR1 protein. To our knowledge, functional studies have not been reported for this variant. This variant has not been reported in individuals affected with RYR1-related disorders in the literature. This variant has been identified in 1/31386 chromosomes in the general population by the Genome Aggregation Database (gnomAD). The available evidence is insufficient to determine the role of this variant in disease conclusively. Therefore, this variant is classified as a Variant of Uncertain Significance.